The following is an entry in ClinVar:

ClinVar aggregate classification (germline): Likely benign (1 of 4 stars; one submission).

Submission:

Mayo Clinic Laboratories, Mayo Clinic
Classification: Likely benign. Last evaluated: 2025-07-29. Review status: criteria provided, single submitter. Criteria: ACMG Guidelines, 2015. Collection method: clinical testing. Allele origin: germline. Observed: 1 variant allele.
Comment: BP4, BP7

NM_000298.6(PKLR):c.100+419C>T

Gene: PKLR (pyruvate kinase L/R; minus strand). Cytogenetic location: 1q22.
Variant type: single nucleotide variant.
Coding change: c.100+419C>T on transcript NM_000298.6 (MANE Select); 419 bases into the intron after coding-DNA position 100, C replaced by T.
Molecular consequence: intron variant.
Genome position (GRCh38, 1-based): chr1:155,300,877, G>A on the plus strand (C>T on the coding strand, the complement: PKLR is on the minus strand). VCF-style: chr1-155300877-G-A. GRCh37 (hg19) VCF-style: chr1-155270668-G-A.
Other names: p.?; c.7+4C>T (NM_181871.4).
Identifiers: ClinVar variation 4683509 (VCV004683509.1).